The following is an entry in ClinVar:

ClinVar aggregate classification (germline): Likely benign (1 of 4 stars; one submission).

Allele frequency attached by ClinVar (database versions not stated): gnomAD exomes 0.00019; TOPMed 0.00020; ESP Exome Variant Server 0.00023; gnomAD 0.00028; ExAC 0.00044; 1000 Genomes Project 0.00100; 1000 Genomes Project 30x 0.00109.
gnomAD v4.1: 339 of 1,614,192 alleles (0.021%); highest among the groups gnomAD compares: South Asian, 0.15%; 2 homozygotes.

Submission:

CeGaT Center for Human Genetics Tuebingen
Classification: Likely benign. Last evaluated: 2022-11-01. Review status: criteria provided, single submitter. Criteria: CeGaT Center For Human Genetics Tuebingen Variant Classification Criteria Version 2. Collection method: clinical testing. Allele origin: germline. Affected: yes. Observed: 1 variant allele.
Comment: AOC3: BP4, BP7

NM_003734.4(AOC3):c.2097C>T (p.Asn699=)

Gene: AOC3 (amine oxidase copper containing 3; plus strand). Cytogenetic location: 17q21.31.
Variant type: single nucleotide variant.
Coding change: c.2097C>T on transcript NM_003734.4 (MANE Select); coding-DNA position 2097, C replaced by T.
Protein change: p.Asn699=; no amino-acid change (asparagine 699 retained).
Molecular consequence: synonymous variant. On other transcripts: 3 prime UTR variant (1), non-coding transcript variant (1).
Genome position (GRCh38, 1-based): chr17:42,856,355, C>T. VCF-style: chr17-42856355-C-T. GRCh37 (hg19) VCF-style: chr17-41008372-C-T.
Other names: c.*62C>T (NM_001277731.2); c.468C>T, p.Asn156= (NM_001277732.2).
Identifiers: ClinVar variation 2647806 (VCV002647806.24), dbSNP rs373171390, ClinGen allele CA8587099.
Genomic context (GRCh38, chr17:42,856,355, plus strand): 5'-AGCTGGTTTTCTGCATATCCCACATGCAGAGGACATTCCTAACACAGTGACTGTGGGGAA[C>T]GGCGTGGGCTTCTTCCTCCGACCCTATAACTTCTTTGACGAAGACCCCTCCTTCTACTCT-3'
Protein context (NP_003725.1, residues 689-709): EDIPNTVTVG[Asn699=]GVGFFLRPYN